The following is an entry in ClinVar:

ClinVar aggregate classification (germline): Uncertain significance (1 of 4 stars; one submission).

Conditions:
Norman-Roberts syndrome (LIS2). Also called: Lissencephaly 2 (Norman-Roberts type). Identifiers: Orphanet 89844, MedGen C0796089, MONDO:0009760, OMIM 257320.
Familial temporal lobe epilepsy 7. Identifiers: Orphanet 101046, MedGen C4225327, MONDO:0014639, OMIM 616436.

Allele frequency attached by ClinVar (database versions not stated): TOPMed below 0.00001; ExAC 0.00001; gnomAD exomes 0.00001.

Submission:

Labcorp Genetics (formerly Invitae), Labcorp
Classification: Uncertain significance for Familial temporal lobe epilepsy 7; Norman-Roberts syndrome. Last evaluated: 2024-01-05. Review status: criteria provided, single submitter. Criteria: Invitae Variant Classification Sherloc (09022015). Collection method: clinical testing. Allele origin: germline.
Comment: This sequence change replaces threonine, which is neutral and polar, with alanine, which is neutral and non-polar, at codon 1290 of the RELN protein (p.Thr1290Ala). This variant is present in population databases (rs760440270, gnomAD 0.0009%). This variant has not been reported in the literature in individuals affected with RELN-related conditions. Advanced modeling of protein sequence and biophysical properties (such as structural, functional, and spatial information, amino acid conservation, physicochemical variation, residue mobility, and thermodynamic stability) performed at Invitae indicates that this missense variant is not expected to disrupt RELN protein function with a negative predictive value of 80%. In summary, the available evidence is currently insufficient to determine the role of this variant in disease. Therefore, it has been classified as a Variant of Uncertain Significance.

NM_005045.4(RELN):c.3868A>G (p.Thr1290Ala)

Gene: RELN (reelin; minus strand). Cytogenetic location: 7q22.1.
Variant type: single nucleotide variant.
Coding change: c.3868A>G on transcript NM_005045.4 (MANE Select); coding-DNA position 3868, A replaced by G.
Protein change: p.Thr1290Ala; replaces threonine 1290 with alanine.
Molecular consequence: missense variant.
Genome position (GRCh38, 1-based): chr7:103,593,726, T>C on the plus strand (A>G on the coding strand, the complement: RELN is on the minus strand). VCF-style: chr7-103593726-T-C. GRCh37 (hg19) VCF-style: chr7-103234173-T-C.
Other names: c.3868A>G, p.Thr1290Ala (NM_173054.3); short protein forms T1290A.
Identifiers: ClinVar variation 2925301 (VCV002925301.3), dbSNP rs760440270, ClinGen allele CA4421657.